The following is an entry in ClinVar:

ClinVar aggregate classification (germline): Uncertain significance. Review status: criteria provided, multiple submitters, no conflicts (2 of 4 stars). 5 submissions from 5 submitters: Uncertain significance (5). Last evaluated 2025-11-06.

Conditions:
Tuberous sclerosis 2 (TSC2). Identifiers: Orphanet 805, MedGen C1860707, MONDO:0013199, OMIM 613254.
Hereditary cancer-predisposing syndrome. Also called: Tumor predisposition; Hereditary neoplastic syndrome; Neoplastic Syndromes, Hereditary; Hereditary Cancer Syndrome. Identifiers: Orphanet 140162, MedGen C0027672, MeSH D009386, MONDO:0015356.
Tuberous sclerosis syndrome (TSC). Also called: Tuberous Sclerosis Complex; Tuberous sclerosis. Identifiers: Orphanet 805, MedGen C0041341, MONDO:0001734.

Submissions (5):

Ambry Genetics
Classification: Uncertain significance for Hereditary cancer-predisposing syndrome. Last evaluated: 2025-11-06. Review status: criteria provided, single submitter. Criteria: Ambry Variant Classification Scheme 2023. Collection method: clinical testing. Allele origin: germline.
Comment: The p.G1511D variant (also known as c.4532G>A), located in coding exon 34 of the TSC2 gene, results from a G to A substitution at nucleotide position 4532. The glycine at codon 1511 is replaced by aspartic acid, an amino acid with similar properties. This amino acid position is conserved. In addition, this alteration is predicted to be deleterious by in silico analysis. Based on the available evidence, the clinical significance of this variant remains unclear.

Labcorp Genetics (formerly Invitae), Labcorp
Classification: Uncertain significance for Tuberous sclerosis 2. Last evaluated: 2024-08-13. Review status: criteria provided, single submitter. Criteria: Invitae Variant Classification Sherloc (09022015). Collection method: clinical testing. Allele origin: germline.
Comment: This sequence change replaces glycine, which is neutral and non-polar, with aspartic acid, which is acidic and polar, at codon 1511 of the TSC2 protein (p.Gly1511Asp). This variant is not present in population databases (gnomAD no frequency). This variant has not been reported in the literature in individuals affected with TSC2-related conditions. ClinVar contains an entry for this variant (Variation ID: 1523857). Advanced modeling of protein sequence and biophysical properties (such as structural, functional, and spatial information, amino acid conservation, physicochemical variation, residue mobility, and thermodynamic stability) performed at Invitae indicates that this missense variant is not expected to disrupt TSC2 protein function with a negative predictive value of 95%. In summary, the available evidence is currently insufficient to determine the role of this variant in disease. Therefore, it has been classified as a Variant of Uncertain Significance.

Women's Health and Genetics/Laboratory Corporation of America, LabCorp
Classification: Uncertain significance. Last evaluated: 2024-04-27. Review status: criteria provided, single submitter. Criteria: LabCorp Variant Classification Summary - May 2015. Collection method: clinical testing. Allele origin: germline.

All of Us Research Program, National Institutes of Health
Classification: Uncertain significance for Tuberous sclerosis syndrome. Last evaluated: 2023-08-15. Review status: criteria provided, single submitter. Criteria: ACMG Guidelines, 2015. Collection method: clinical testing. Allele origin: germline. Inheritance: Autosomal dominant inheritance. Observed: 1 variant allele, 1 heterozygote.
Comment: This missense variant replaces glycine with aspartic acid at codon 1511 of the TSC2 protein. Computational prediction is inconclusive regarding the impact of this variant on protein structure and function (internally defined REVEL score threshold 0.5 < inconclusive < 0.7, PMID: 27666373). To our knowledge, functional studies have not been reported for this variant. This variant has not been reported in individuals affected with tuberous sclerosis complex in the literature. This variant has not been identified in the general population by the Genome Aggregation Database (gnomAD). The available evidence is insufficient to determine the role of this variant in disease conclusively. Therefore, this variant is classified as a Variant of Uncertain Significance.

This study involves interpretation of variants in research participants for the purpose of population health screening. Participant phenotype was not available at the time of variant classification. Additional details can be found in publication PMID: 35346344, PMCID: PMC8962531

GeneDx
Classification: Uncertain significance. Last evaluated: 2023-07-25. Review status: criteria provided, single submitter. Criteria: GeneDx Variant Classification Process June 2021. Collection method: clinical testing. Allele origin: germline. Affected: yes.
Comment: Not observed at significant frequency in large population cohorts (gnomAD); In silico analysis supports that this missense variant has a deleterious effect on protein structure/function; Has not been previously published as pathogenic or benign to our knowledge

NM_000548.5(TSC2):c.4532G>A (p.Gly1511Asp)

Gene: TSC2 (TSC complex subunit 2; plus strand). Cytogenetic location: 16p13.3.
Variant type: single nucleotide variant.
Coding change: c.4532G>A on transcript NM_000548.5 (MANE Select); coding-DNA position 4532, G replaced by A.
Protein change: p.Gly1511Asp; replaces glycine 1511 with aspartic acid.
Molecular consequence: missense variant.
Genome position (GRCh38, 1-based): chr16:2,084,989, G>A. VCF-style: chr16-2084989-G-A. GRCh37 (hg19) VCF-style: chr16-2134990-G-A.
Other names: c.4331G>A, p.Gly1444Asp (NM_001077183.3); c.4463G>A, p.Gly1488Asp (NM_001114382.3); c.4223G>A, p.Gly1408Asp (NM_001318827.2); c.4187G>A, p.Gly1396Asp (NM_001318829.2); c.3800G>A, p.Gly1267Asp (NM_001318831.2); c.4364G>A, p.Gly1455Asp (NM_001318832.2); c.4334G>A, p.Gly1445Asp (NM_001363528.2); c.4400G>A, p.Gly1467Asp (NM_001370404.1); and 2 more; short protein forms G1267D, G1408D, G1467D, G1511D, G1445D, G1488D, G1396D, G1455D.
Identifiers: ClinVar variation 1523857 (VCV001523857.11), dbSNP rs2151544129, ClinGen allele CA394302874.